The following is an entry in ClinVar:

NM_004964.3(HDAC1):c.54del (p.Asp18fs)

Gene: HDAC1 (histone deacetylase 1; plus strand). Cytogenetic location: 1p35.1.
Variant type: Deletion.
Coding change: c.54del on transcript NM_004964.3 (MANE Select); coding-DNA position 54, one base deleted (T; older notation c.54delT).
Protein change: p.Asp18fs; shifts the reading frame from aspartic acid 18.
Molecular consequence: frameshift variant.
Genome position (GRCh38, 1-based): chr1:32,302,625, T deleted. VCF-style (leftmost placement, unchanged base first): chr1-32302624-AT-A. GRCh37 (hg19) VCF-style: chr1-32768225-AT-A.
Other names: short protein forms D18fs.
Identifiers: ClinVar variation 4279816 (VCV004279816.1).

ClinVar aggregate classification (germline): Uncertain significance (1 of 4 stars; one submission).

Submission:

Clinical Genomics Laboratory, Washington University in St. Louis
Classification: Uncertain significance. Last evaluated: 2025-06-10. Review status: criteria provided, single submitter. Criteria: ACMG Guidelines, 2015. Collection method: clinical testing. Allele origin: germline.
Comment: The HDAC1 c.54del (p.Asp18Glufs*13) variant, to our knowledge, has not been reported in the medical literature. This variant is absent from the general population (gnomAD v.4.1.0), indicating it is not a common variant. This variant causes a frameshift by deleting one nucleotide, leading to a premature termination codon, which is predicted to lead to nonsense mediated decay. Due to limited information, the clinical significance of this variant is uncertain.